The following is an entry in ClinVar:

ClinVar aggregate classification (germline): Likely pathogenic (1 of 4 stars; one submission).

Conditions:
Infantile-onset ascending hereditary spastic paralysis (IAHSP). Also called: Infantile-Onset Ascending Hereditary Spastic Paralysis (IAHSP); Autosomal Recessive Juvenile Amyotrophic Lateral Sclerosis. Identifiers: Orphanet 293168, MedGen C2931441, MONDO:0011797, OMIM 607225. Disease mechanism: loss of function.

Submission:

Labcorp Genetics (formerly Invitae), Labcorp
Classification: Likely pathogenic for Infantile-onset ascending hereditary spastic paralysis. Last evaluated: 2024-07-22. Review status: criteria provided, single submitter. Criteria: Invitae Variant Classification Sherloc (09022015). Collection method: clinical testing. Allele origin: germline.
Comment: This sequence change affects an acceptor splice site in intron 4 of the ALS2 gene. It is expected to disrupt RNA splicing. Variants that disrupt the donor or acceptor splice site typically lead to a loss of protein function (PMID: 16199547), and loss-of-function variants in ALS2 are known to be pathogenic (PMID: 11586298, 24315819). This variant is not present in population databases (gnomAD no frequency). This variant has not been reported in the literature in individuals affected with ALS2-related conditions. ClinVar contains an entry for this variant (Variation ID: 1510959). Algorithms developed to predict the effect of sequence changes on RNA splicing suggest that this variant may disrupt the consensus splice site. In summary, the currently available evidence indicates that the variant is pathogenic, but additional data are needed to prove that conclusively. Therefore, this variant has been classified as Likely Pathogenic.

Literature cited by the submitters: PubMed 16199547; PubMed 11586298; PubMed 24315819.

NM_020919.4(ALS2):c.1114-1G>A

Gene: ALS2 (alsin Rho guanine nucleotide exchange factor ALS2; minus strand). Cytogenetic location: 2q33.1.
Variant type: single nucleotide variant.
Coding change: c.1114-1G>A on transcript NM_020919.4 (MANE Select); the canonical splice acceptor site of the intron before coding-DNA position 1114, G replaced by A.
Molecular consequence: splice acceptor variant.
Genome position (GRCh38, 1-based): chr2:201,757,760, C>T on the plus strand (G>A on the coding strand, the complement: ALS2 is on the minus strand). VCF-style: chr2-201757760-C-T. GRCh37 (hg19) VCF-style: chr2-202622483-C-T.
Other names: c.1114-1G>A (NM_001410975.1).
Identifiers: ClinVar variation 1510959 (VCV001510959.6), dbSNP rs2106080813, ClinGen allele CA350327216.